The following is an entry in ClinVar:

ClinVar aggregate classification (germline): Pathogenic (1 of 4 stars; one submission).

Conditions:
Arrhythmogenic right ventricular dysplasia 9 (ARVD9). Also called: ARRHYTHMOGENIC RIGHT VENTRICULAR DYSPLASIA, FAMILIAL, 9; Arrhythmogenic Right Ventricular Dysplasia/Cardiomyopathy 9. Identifiers: MedGen C1836906, MONDO:0012180, OMIM 609040.

Submission:

Victorian Clinical Genetics Services, Murdoch Childrens Research Institute
Classification: Pathogenic for Arrhythmogenic right ventricular dysplasia 9. Last evaluated: 2024-10-22. Review status: criteria provided, single submitter. Criteria: ACMG Guidelines, 2015. Collection method: clinical testing. Allele origin: germline. Affected: yes.
Comment: This variant is classified as Pathogenic. Evidence in support of pathogenic classification: Variant is predicted to cause nonsense-mediated decay (NMD) and loss of protein (premature termination codon is located at least 54 nucleotides upstream of the final exon-exon junction); Variant is absent from gnomAD (v2, v3 and v4); This variant has limited previous evidence of pathogenicity in unrelated individuals. Different nucleotide changes resulting in the same protein outcome have been reported in two families with arrhythmogenic cardiomyopathy (PMIDs: 35627167, 29977873); Other NMD-predicted variants comparable to the one identified in this case have very strong previous evidence for pathogenicity. Many comparable NMD-predicted variants have been classified as pathogenic or likely pathogenic by clinical laboratories (ClinVar). Additional information: This variant is heterozygous; This gene is associated with both recessive and dominant disease. Arrhythmogenic right ventricular dysplasia 9 (MIM#609040) is inherited in an autosomal dominant manner while biallelic loss of function variants are associated with severe perinatal and neonatal onset dilated cardiomyopathy (PMIDs: 30562116, 35059364, 38050058); Loss of function is a known mechanism of disease in this gene and is associated with arrhythmogenic right ventricular dysplasia 9 (MIM#609040) and dilated cardiomyopathy, MONDO:0005021, PKP2-related (PanelApp Australia); The autosomal dominant condition associated with this gene has incomplete penetrance (PMIDs: 17010805, 23183494); Variants in this gene that are associated with autosomal dominant arrhythmogenic right ventricular dysplasia 9 (MIM#609040) are known to have variable expressivity (PMIDs: 17010805, 23183494); Inheritance information for this variant is not currently available in this individual.

Literature cited by the submitters: PubMed 38050058; PubMed 35059364; PubMed 30562116; PubMed 29977873; PubMed 17010805; PubMed 23183494; PubMed 35627167.

NM_001005242.3(PKP2):c.504_505del (p.Tyr168_Ser169delinsTer)

Gene: PKP2 (plakophilin 2; minus strand). Cytogenetic location: 12p11.21.
Variant type: Deletion.
Coding change: c.504_505del on transcript NM_001005242.3 (MANE Select); coding-DNA positions 504 to 505, 2 bases deleted (CA; older notation c.504_505delCA).
Protein change: p.Tyr168_Ser169delinsTer.
Molecular consequence: nonsense.
Genome position (GRCh38, 1-based): chr12:32,878,375-32,878,376, TG deleted on the plus strand (CA on the coding strand, the reverse complement: PKP2 is on the minus strand); deleting any 2 consecutive bases within chr12:32,878,375-32,878,377 gives the same sequence; the c. name uses the placement nearest the transcript's 3' end. VCF-style (leftmost placement, unchanged base first): chr12-32878374-CTG-C. GRCh37 (hg19) VCF-style: chr12-33031308-CTG-C.
Other names: c.177_178del, p.Tyr59_Ser60delinsTer (NM_001407158.1, NM_001407159.1, NM_001407160.1 and 1 more transcripts); c.504_505del, p.Tyr168_Ser169delinsTer (NM_001407161.1, NM_004572.4, NM_001407155.1 and 2 more transcripts).
Identifiers: ClinVar variation 4531401 (VCV004531401.1).